The following is an entry in ClinVar:

NM_000170.3(GLDC):c.2297G>T (p.Gly766Val)

Gene: GLDC (glycine decarboxylase; minus strand). Cytogenetic location: 9p24.1.
Variant type: single nucleotide variant.
Coding change: c.2297G>T on transcript NM_000170.3 (MANE Select); coding-DNA position 2297, G replaced by T.
Protein change: p.Gly766Val; replaces glycine 766 with valine.
Molecular consequence: missense variant.
Genome position (GRCh38, 1-based): chr9:6,554,687, C>A on the plus strand (G>T on the coding strand, the complement: GLDC is on the minus strand). VCF-style: chr9-6554687-C-A. GRCh37 (hg19) VCF-style: chr9-6554687-C-A.
Other names: short protein forms G766V.
Identifiers: ClinVar variation 554523 (VCV000554523.10), dbSNP rs750384225, ClinGen allele CA4980304.
Genomic context (GRCh38, chr9:6,554,687, plus strand): 5'-CTGTCTCCAAAGCCATCCTGAAACCAGCAGCCCAGAACTTACACTCCGATGGGCCCCATG[C>A]CAGGACCACCTCCTCCGTGGGGAATGCAGAAGGTCTTGTGAAGATTTAGGTGCGAGACAT-3'
Protein context (NP_000161.2, residues 756-776): FCIPHGGGGP[Gly766Val]MGPIGVKKHL

ClinVar aggregate classification (germline): Likely pathogenic. Review status: criteria provided, single submitter (1 of 4 stars). 2 submissions from 2 submitters: Likely pathogenic (1). 1 of the submissions does not count toward it. Last evaluated 2021-04-20.

Conditions:
Glycine encephalopathy 1 (GCE1). Identifiers: MedGen CN376801, MONDO:0958179, OMIM 605899.
Glycine encephalopathy. Also called: Non-ketotic hyperglycinemia; Nonketotic hyperglycinemia. Identifiers: Orphanet 407, MedGen C0751748, MONDO:0011612, HP:0008288.

Allele frequency attached by ClinVar (database versions not stated): gnomAD exomes below 0.00001; TOPMed below 0.00001; ExAC 0.00001.
gnomAD v4.1: 11 of 1,611,474 alleles (0.00068%); highest among the groups gnomAD compares: Non-Finnish European, 0.00093%; no homozygotes.

Submissions (2):

Labcorp Genetics (formerly Invitae), Labcorp
Classification: Likely pathogenic for Glycine encephalopathy. Last evaluated: 2021-04-20. Review status: criteria provided, single submitter. Criteria: Invitae Variant Classification Sherloc (09022015). Collection method: clinical testing. Allele origin: germline.
Comment: This sequence change replaces glycine with valine at codon 766 of the GLDC protein (p.Gly766Val). The glycine residue is highly conserved and there is a moderate physicochemical difference between glycine and valine. This variant is present in population databases (rs750384225, ExAC 0.002%). This variant has been observed in individual(s) with glycine encephalopathy (PMID: 27362913). In at least one individual the data is consistent with the variant being in trans (on the opposite chromosome) from a pathogenic variant. ClinVar contains an entry for this variant (Variation ID: 554523). Advanced modeling of protein sequence and biophysical properties (such as structural, functional, and spatial information, amino acid conservation, physicochemical variation, residue mobility, and thermodynamic stability) performed at Invitae indicates that this missense variant is expected to disrupt GLDC protein function. In summary, the currently available evidence indicates that the variant is pathogenic, but additional data are needed to prove that conclusively. Therefore, this variant has been classified as Likely Pathogenic.

Counsyl
Classification: Uncertain significance for Glycine encephalopathy 1. Last evaluated: 2017-10-24. Review status: no assertion criteria provided. Collection method: clinical testing. Allele origin: unknown. Not counted in ClinVar's aggregate classification.

Literature cited by the submitters: PubMed 27362913 (cited by Labcorp Genetics (formerly Invitae), Labcorp and Counsyl).